The following is an entry in ClinVar:

ClinVar aggregate classification (germline): Likely benign (1 of 4 stars; one submission).

Conditions:
SIX5-related disorder. Also called: SIX5-related condition.

gnomAD v4.1: 11 of 1,612,172 alleles (0.00068%); highest among the groups gnomAD compares: Middle Eastern, 0.017%; no homozygotes.

Submission:

PreventionGenetics, part of Exact Sciences
Classification: Likely benign for SIX5-related condition. Last evaluated: 2025-10-09. Review status: criteria provided, single submitter. Criteria: ACMG Guidelines, 2015. Collection method: clinical testing. Allele origin: germline.
Comment: This variant is classified as likely benign based on ACMG/AMP sequence variant interpretation guidelines (Richards et al. 2015 PMID: 25741868, with internal and published modifications).

NM_175875.5(SIX5):c.846A>C (p.Arg282=)

Genes: SIX5 (SIX homeobox 5; minus strand), LOC107075317 (origin of replication in DMPK trinucleotide repeat region; plus strand). Cytogenetic location: 19q13.32.
Variant type: single nucleotide variant.
Coding change: c.846A>C on transcript NM_175875.5 (MANE Select); coding-DNA position 846, A replaced by C.
Protein change: p.Arg282=; no amino-acid change (arginine 282 retained).
Molecular consequence: synonymous variant.
Genome position (GRCh38, 1-based): chr19:45,767,113, T>G on the plus strand (A>C on the coding strand, the complement: SIX5 is on the minus strand). VCF-style: chr19-45767113-T-G. GRCh37 (hg19) VCF-style: chr19-46270371-T-G.
Identifiers: ClinVar variation 4988806 (VCV004988806.1).